The following is an entry in ClinVar:

NM_000091.5(COL4A3):c.1037_1038del (p.Tyr346fs)

Genes: COL4A3 (collagen type IV alpha 3 chain; plus strand), MFF-DT (MFF divergent transcript; minus strand). Cytogenetic location: 2q36.3.
Variant type: Microsatellite.
Coding change: c.1037_1038del on transcript NM_000091.5 (MANE Select); coding-DNA positions 1037 to 1038, 2 bases deleted (AT; older notation c.1037_1038delAT).
Protein change: p.Tyr346fs; shifts the reading frame from tyrosine 346.
Molecular consequence: frameshift variant.
Genome position (GRCh38, 1-based): chr2:227,259,800-227,259,801, AT deleted; deleting any 2 consecutive bases within chr2:227,259,798-227,259,801 gives the same sequence; the c. name uses the placement nearest the transcript's 3' end. VCF-style (leftmost placement, unchanged base first): chr2-227259797-AAT-A. GRCh37 (hg19) VCF-style: chr2-228124513-AAT-A.
Other names: short protein forms Y346fs.
Identifiers: ClinVar variation 2745948 (VCV002745948.3), dbSNP rs2469606906, ClinGen allele CA2697550581.
Genomic context (GRCh38, chr2:227,259,797, plus strand): 5'-GTGAGCTGTCCATAAATAGCTATCCTTTCTCTGTATTTGTTTCTTTCTCCTCTAAGACAG[AAT>A]ATTATGACACATACCAGGAAAAGGGAGATGAAGGCACTCCAGGCCCACCAGGGCCCAGAG-3'

ClinVar aggregate classification (germline): Pathogenic (1 of 4 stars; one submission).

Submission:

Labcorp Genetics (formerly Invitae), Labcorp
Classification: Pathogenic. Last evaluated: 2023-05-28. Review status: criteria provided, single submitter. Criteria: Invitae Variant Classification Sherloc (09022015). Collection method: clinical testing. Allele origin: germline.
Comment: For these reasons, this variant has been classified as Pathogenic. This variant has not been reported in the literature in individuals affected with COL4A3-related conditions. This variant is not present in population databases (gnomAD no frequency). This sequence change creates a premature translational stop signal (p.Tyr346Leufs*2) in the COL4A3 gene. It is expected to result in an absent or disrupted protein product. Loss-of-function variants in COL4A3 are known to be pathogenic (PMID: 8956999, 24854265, 26809805, 27281700).

Literature cited by the submitters: PubMed 8956999; PubMed 24854265; PubMed 26809805; PubMed 27281700.